The following is an entry in ClinVar:

NM_001384732.1(CPLANE1):c.1237G>A (p.Val413Ile)

Gene: CPLANE1 (ciliogenesis and planar polarity effector complex subunit 1; minus strand). Cytogenetic location: 5p13.2.
Variant type: single nucleotide variant.
Coding change: c.1237G>A on transcript NM_001384732.1 (MANE Select); coding-DNA position 1237, G replaced by A.
Protein change: p.Val413Ile; replaces valine 413 with isoleucine.
Molecular consequence: missense variant.
Genome position (GRCh38, 1-based): chr5:37,227,702, C>T on the plus strand (G>A on the coding strand, the complement: CPLANE1 is on the minus strand). VCF-style: chr5-37227702-C-T. GRCh37 (hg19) VCF-style: chr5-37227804-C-T.
Other names: c.1237G>A, p.Val413Ile (NM_023073.4); c.1237G>A (NM_023073.3); short protein forms V413I.
Identifiers: ClinVar variation 1959847 (VCV001959847.6), dbSNP rs758642292, ClinGen allele CA3239120.

ClinVar aggregate classification (germline): Uncertain significance. Review status: criteria provided, multiple submitters, no conflicts (2 of 4 stars). 3 submissions from 3 submitters: Uncertain significance (3). Last evaluated 2025-12-03.

Conditions:
Joubert syndrome 17 (JBTS17). Identifiers: Orphanet 475, MedGen C3553264, MONDO:0013824, OMIM 614615.
Orofaciodigital syndrome type 6 (OFD6). Also called: OROFACIODIGITAL SYNDROME VI; OFDS VI; POLYDACTYLY, CLEFT LIP/PALATE OR LINGUAL LUMP, AND PSYCHOMOTOR RETARDATION; VARADI SYNDROME; VARADI-PAPP SYNDROME; Oral-facial-digital syndrome type 6. Identifiers: Orphanet 2754, MedGen C2745997, MONDO:0010176, OMIM 277170.

Allele frequency attached by ClinVar (database versions not stated): gnomAD 0.00005; gnomAD exomes 0.00005; TOPMed 0.00005; ExAC 0.00009.
gnomAD v4.1: 82 of 1,551,210 alleles (0.0053%); highest among the groups gnomAD compares: South Asian, 0.0095%; no homozygotes.

Submissions (3):

Labcorp Genetics (formerly Invitae), Labcorp
Classification: Uncertain significance. Last evaluated: 2025-12-03. Review status: criteria provided, single submitter. Criteria: Invitae Variant Classification Sherloc (09022015). Collection method: clinical testing. Allele origin: germline.
Comment: This sequence change replaces valine, which is neutral and non-polar, with isoleucine, which is neutral and non-polar, at codon 413 of the CPLANE1 protein (p.Val413Ile). This variant is present in population databases (rs758642292, gnomAD 0.01%). This variant has not been reported in the literature in individuals affected with CPLANE1-related conditions. ClinVar contains an entry for this variant (Variation ID: 1959847). Invitae Evidence Modeling of protein sequence and biophysical properties (such as structural, functional, and spatial information, amino acid conservation, physicochemical variation, residue mobility, and thermodynamic stability) indicates that this missense variant is not expected to disrupt CPLANE1 protein function with a negative predictive value of 95%. In summary, the available evidence is currently insufficient to determine the role of this variant in disease. Therefore, it has been classified as a Variant of Uncertain Significance.

Fulgent Genetics
Classification: Uncertain significance for Orofaciodigital syndrome type 6; Joubert syndrome 17. Last evaluated: 2024-05-17. Review status: criteria provided, single submitter. Criteria: ACMG Guidelines, 2015. Collection method: clinical testing. Allele origin: germline.

GeneDx
Classification: Uncertain significance. Last evaluated: 2024-03-16. Review status: criteria provided, single submitter. Criteria: GeneDx Variant Classification Process June 2021. Collection method: clinical testing. Allele origin: germline. Affected: yes.
Comment: Not observed at significant frequency in large population cohorts (gnomAD); In silico analysis supports that this missense variant does not alter protein structure/function; Has not been previously published as pathogenic or benign to our knowledge